The following is an entry in ClinVar:

ClinVar aggregate classification (germline): Uncertain significance (1 of 4 stars; one submission).

Submission:

Ambry Genetics
Classification: Uncertain significance. Last evaluated: 2024-02-26. Review status: criteria provided, single submitter. Criteria: Ambry Variant Classification Scheme 2023. Collection method: clinical testing. Allele origin: germline.
Comment: The p.S284T variant (also known as c.850T>A), located in coding exon 4 of the MNDA gene, results from a T to A substitution at nucleotide position 850. The serine at codon 284 is replaced by threonine, an amino acid with similar properties. This amino acid position is conserved. In addition, this alteration is predicted to be tolerated by in silico analysis. Based on the available evidence, the clinical significance of this alteration remains unclear.

NM_002432.3(MNDA):c.850T>A (p.Ser284Thr)

Gene: MNDA (myeloid cell nuclear differentiation antigen; plus strand). Cytogenetic location: 1q23.1.
Variant type: single nucleotide variant.
Coding change: c.850T>A on transcript NM_002432.3 (MANE Select); coding-DNA position 850, T replaced by A.
Protein change: p.Ser284Thr; replaces serine 284 with threonine.
Molecular consequence: missense variant.
Genome position (GRCh38, 1-based): chr1:158,845,866, T>A. VCF-style: chr1-158845866-T-A. GRCh37 (hg19) VCF-style: chr1-158815656-T-A.
Other names: short protein forms S284T.
Identifiers: ClinVar variation 3222213 (VCV003222213.1), dbSNP rs2526087984, ClinGen allele CA343041992.